The following is an entry in ClinVar:

NM_000702.4(ATP1A2):c.1241C>T (p.Pro414Leu)

Gene: ATP1A2 (ATPase Na+/K+ transporting subunit alpha 2; plus strand). Cytogenetic location: 1q23.2.
Variant type: single nucleotide variant.
Coding change: c.1241C>T on transcript NM_000702.4 (MANE Select); coding-DNA position 1241, C replaced by T.
Protein change: p.Pro414Leu; replaces proline 414 with leucine.
Molecular consequence: missense variant.
Genome position (GRCh38, 1-based): chr1:160,129,004, C>T. VCF-style: chr1-160129004-C-T. GRCh37 (hg19) VCF-style: chr1-160098794-C-T.
Other names: short protein forms P414L.
Identifiers: ClinVar variation 1366290 (VCV001366290.8), dbSNP rs767672945, ClinGen allele CA1194423.

ClinVar aggregate classification (germline): Uncertain significance (1 of 4 stars; one submission).

Conditions:
Familial hemiplegic migraine. Identifiers: MedGen C0338484, MONDO:0000700.

Allele frequency attached by ClinVar (database versions not stated): gnomAD exomes below 0.00001; ExAC 0.00001.
gnomAD v4.1: 2 of 1,608,374 alleles (0.00012%); highest among the groups gnomAD compares: Non-Finnish European, 0.00017%; no homozygotes.

Submission:

Labcorp Genetics (formerly Invitae), Labcorp
Classification: Uncertain significance for Familial hemiplegic migraine. Last evaluated: 2020-12-01. Review status: criteria provided, single submitter. Criteria: Invitae Variant Classification Sherloc (09022015). Collection method: clinical testing. Allele origin: germline.
Comment: In summary, the available evidence is currently insufficient to determine the role of this variant in disease. Therefore, it has been classified as a Variant of Uncertain Significance. Advanced modeling of protein sequence and biophysical properties (such as structural, functional, and spatial information, amino acid conservation, physicochemical variation, residue mobility, and thermodynamic stability) performed at Invitae indicates that this missense variant is not expected to disrupt ATP1A2 protein function. This variant has not been reported in the literature in individuals with ATP1A2-related conditions. This variant is present in population databases (rs767672945, ExAC 0.002%). This sequence change replaces proline with leucine at codon 414 of the ATP1A2 protein (p.Pro414Leu). The proline residue is highly conserved and there is a moderate physicochemical difference between proline and leucine.